The following is an entry in ClinVar:

NM_000342.3(SLC4A1):c.388G>A (p.Gly130Arg)

Gene: SLC4A1 (solute carrier family 4 member 1 (Diego blood group); minus strand). Cytogenetic location: 17q21.31.
Variant type: single nucleotide variant.
Coding change: c.388G>A on transcript NM_000342.3; coding-DNA position 388, G replaced by A.
Protein change: p.Gly130Arg; replaces glycine 130 with arginine.
Molecular consequence: missense variant (on NM_000342.4).
Genome position (GRCh38, 1-based): chr17:44,260,501, C>T on the plus strand (G>A on the coding strand, the complement: SLC4A1 is on the minus strand). VCF-style: chr17-44260501-C-T. GRCh37 (hg19) VCF-style: chr17-42337869-C-T.
Other names: c.388G>A, p.Gly130Arg (NM_000342.4); short protein forms G130R.
Identifiers: ClinVar variation 17769 (VCV000017769.12), dbSNP rs121912749, ClinGen allele CA127394.

ClinVar aggregate classification (germline): Conflicting classifications of pathogenicity. Review status: criteria provided, conflicting classifications (1 of 4 stars). 7 submissions from 7 submitters: Likely pathogenic (1); Uncertain significance (3); Benign (1); Likely benign (1). 1 of the submissions does not count toward it. Last evaluated 2025-08-20.

Conditions:
SLC4A1-related disorder. Also called: SLC4A1-related disorders; SLC4A1-related condition.
Malaria, susceptibility to. Identifiers: Orphanet 673, MedGen C1970028, MONDO:0021024, OMIM 611162.
Renal tubular acidosis, distal, 4, with hemolytic anemia. Also called: Renal Tubular Acidosis, Distal, with Hemolytic Anemia. Identifiers: Orphanet 93610, MedGen C5436235, MONDO:0012700, OMIM 611590.
BLOOD GROUP--DIEGO SYSTEM (DI). Identifiers: MedGen C1292286, OMIM 110500.
BLOOD GROUP--SWANN SYSTEM (SW). Also called: SWANN BLOOD GROUP. Identifiers: MedGen C1832169, OMIM 601550.
BLOOD GROUP, WALDNER (WD). Also called: WALDNER BLOOD GROUP ANTIGEN. Identifiers: MedGen C1862191, OMIM 112010.
BLOOD GROUP--FROESE (FR). Also called: FROESE BLOOD GROUP ANTIGEN. Identifiers: MedGen C1832168, OMIM 601551.
BLOOD GROUP--WRIGHT ANTIGEN (WR). Identifiers: MedGen C1862190, OMIM 112050.
Autosomal dominant distal renal tubular acidosis (DRTA1). Also called: RENAL TUBULAR ACIDOSIS, DISTAL, 1; Renal Tubular Acidosis, Type I; RTA, CLASSIC TYPE; RTA, DISTAL TYPE, AUTOSOMAL DOMINANT; RTA, GRADIENT TYPE. Identifiers: Orphanet 93608, MedGen CN280572, MONDO:0008368, OMIM 179800.
Southeast Asian ovalocytosis. Also called: Elliptocytosis 4; Stomatocytic elliptocytosis, hereditary; Ovalocytosis, Malaysian-Melanesian-Filipino type; HE, STOMATOCYTIC. Identifiers: Orphanet 98868, MedGen C1862322, MONDO:0008165, OMIM 166900.
Cryohydrocytosis. Also called: STOMATOCYTOSIS, COLD-SENSITIVE; Hereditary cryohydrocytosis with normal stomatin; CRYOHYDROCYTOSIS DUE TO BAND 3 HEMEL; CRYOHYDROCYTOSIS DUE TO BAND 3 HURSTPIERPOINT; CRYOHYDROCYTOSIS DUE TO BAND 3 BLACKBURN. Identifiers: Orphanet 398088, MedGen C1861453, MONDO:0008494, OMIM 185020.
Hereditary spherocytosis type 4. Also called: SLC4A1-Related Spherocytosis. Identifiers: Orphanet 822, MedGen C2675212, MONDO:0012981, OMIM 612653.

Allele frequency attached by ClinVar (database versions not stated): gnomAD exomes 0.00010 and 0.00014; TOPMed 0.00011; ExAC 0.00021; gnomAD 0.00004 and 0.00005.

Submissions (7):

Mayo Clinic Laboratories, Mayo Clinic
Classification: Uncertain significance. Last evaluated: 2025-08-20. Review status: criteria provided, single submitter. Criteria: ACMG Guidelines, 2015. Collection method: clinical testing. Allele origin: germline. Observed: 2 variant alleles.
Comment: BS1, PM3_supporting

Labcorp Genetics (formerly Invitae), Labcorp
Classification: Likely benign. Last evaluated: 2024-12-24. Review status: criteria provided, single submitter. Criteria: Invitae Variant Classification Sherloc (09022015). Collection method: clinical testing. Allele origin: germline.

Revvity Omics, Revvity
Classification: Uncertain significance. Last evaluated: 2024-11-27. Review status: criteria provided, single submitter. Criteria: ACMG Guidelines, 2015. Collection method: clinical testing. Allele origin: germline.

Blueprint Genetics
Classification: Likely pathogenic for SLC4A1-related disorders. Last evaluated: 2024-05-03. Review status: criteria provided, single submitter. Criteria: ACMG Guidelines, 2015. Collection method: clinical testing. Allele origin: germline. Affected: yes. Observed: 5 variant alleles.

Fulgent Genetics
Classification: Uncertain significance for BLOOD GROUP--DIEGO SYSTEM; BLOOD GROUP, WALDNER; BLOOD GROUP--WRIGHT ANTIGEN; Southeast Asian ovalocytosis; Autosomal dominant distal renal tubular acidosis; Cryohydrocytosis; BLOOD GROUP--SWANN SYSTEM; BLOOD GROUP--FROESE; Malaria, susceptibility to; Renal tubular acidosis, distal, 4, with hemolytic anemia; Hereditary spherocytosis type 4. Last evaluated: 2024-04-17. Review status: criteria provided, single submitter. Criteria: ACMG Guidelines, 2015. Collection method: clinical testing. Allele origin: germline.

Illumina Laboratory Services, Illumina
Classification: Benign for Autosomal dominant distal renal tubular acidosis. Last evaluated: 2017-04-27. Review status: criteria provided, single submitter. Criteria: ICSL Variant Classification Criteria 13 December 2019. Collection method: clinical testing. Allele origin: germline.
Comment: This variant was observed as part of a predisposition screen in an ostensibly healthy population. A literature search was performed for the gene, cDNA change, and amino acid change (where applicable). No publications were found based on this search. Allele frequency data from public databases was too high to be consistent with this variant causing disease. Therefore, this variant is classified as benign.

OMIM
Classification: Pathogenic for SPHEROCYTOSIS, TYPE 4, DUE TO BAND 3 FUKUOKA. Last evaluated: 1998-09-01. Review status: no assertion criteria provided. Collection method: literature only. Allele origin: germline. Not counted in ClinVar's aggregate classification.

Literature cited by the submitters: PubMed 9734643 (cited by OMIM).